The following is an entry in ClinVar:

ClinVar aggregate classification (germline): Uncertain significance (1 of 4 stars; one submission).

Conditions:
Cardiovascular phenotype. Identifiers: MedGen CN230736.

Allele frequency attached by ClinVar (database versions not stated): gnomAD exomes below 0.00001; gnomAD 0.00002; TOPMed 0.00002.
gnomAD v4.1: 8 of 1,610,300 alleles (0.0005%); highest among the groups gnomAD compares: African/African-American, 0.011%; no homozygotes.

Submission:

Ambry Genetics
Classification: Uncertain significance for Cardiovascular phenotype. Last evaluated: 2021-07-19. Review status: criteria provided, single submitter. Criteria: Ambry Variant Classification Scheme 2023. Collection method: clinical testing. Allele origin: germline.
Comment: The p.I853L variant (also known as c.2557A>C), located in coding exon 36 of the COL1A1 gene, results from an A to C substitution at nucleotide position 2557. The isoleucine at codon 853 is replaced by leucine, an amino acid with highly similar properties. This amino acid position is not well conserved in available vertebrate species. In addition, this alteration is predicted to be tolerated by in silico analysis. Since supporting evidence is limited at this time, the clinical significance of this alteration remains unclear.

NM_000088.4(COL1A1):c.2557A>C (p.Ile853Leu)

Gene: COL1A1 (collagen type I alpha 1 chain; minus strand). Cytogenetic location: 17q21.33.
Variant type: single nucleotide variant.
Coding change: c.2557A>C on transcript NM_000088.4 (MANE Select); coding-DNA position 2557, A replaced by C.
Protein change: p.Ile853Leu; replaces isoleucine 853 with leucine.
Molecular consequence: missense variant.
Genome position (GRCh38, 1-based): chr17:50,190,003, T>G on the plus strand (A>C on the coding strand, the complement: COL1A1 is on the minus strand). VCF-style: chr17-50190003-T-G. GRCh37 (hg19) VCF-style: chr17-48267364-T-G.
Other names: short protein forms I853L.
Identifiers: ClinVar variation 1793022 (VCV001793022.2), dbSNP rs975734208, ClinGen allele CA291543290.